The following is an entry in ClinVar:

NM_173728.4(ARHGEF15):c.2186T>C (p.Leu729Pro)

Gene: ARHGEF15 (Rho guanine nucleotide exchange factor 15; plus strand). Cytogenetic location: 17p13.1.
Variant type: single nucleotide variant.
Coding change: c.2186T>C on transcript NM_173728.4 (MANE Select); coding-DNA position 2186, T replaced by C.
Protein change: p.Leu729Pro; replaces leucine 729 with proline.
Molecular consequence: missense variant.
Genome position (GRCh38, 1-based): chr17:8,319,159, T>C. VCF-style: chr17-8319159-T-C. GRCh37 (hg19) VCF-style: chr17-8222477-T-C.
Other names: c.2186T>C, p.Leu729Pro (NM_025014.2); short protein forms L729P.
Identifiers: ClinVar variation 1008032 (VCV001008032.11), dbSNP rs1905217127, ClinGen allele CA398024890.

ClinVar aggregate classification (germline): Uncertain significance (1 of 4 stars; one submission).

Conditions:
Early-infantile DEE. Also called: Ohtahara syndrome; Early infantile epileptic encephalopathy with suppression bursts; Early infantile epileptic encephalopathy. Identifiers: Orphanet 1934, MedGen C0393706, MONDO:0800491.

Allele frequency attached by ClinVar (database versions not stated): gnomAD 0.00001.

Submission:

Labcorp Genetics (formerly Invitae), Labcorp
Classification: Uncertain significance for Early-infantile DEE. Last evaluated: 2022-10-18. Review status: criteria provided, single submitter. Criteria: Invitae Variant Classification Sherloc (09022015). Collection method: clinical testing. Allele origin: germline.
Comment: In summary, the available evidence is currently insufficient to determine the role of this variant in disease. Therefore, it has been classified as a Variant of Uncertain Significance. This sequence change replaces leucine, which is neutral and non-polar, with proline, which is neutral and non-polar, at codon 729 of the ARHGEF15 protein (p.Leu729Pro). This variant is not present in population databases (gnomAD no frequency). This variant has not been reported in the literature in individuals affected with ARHGEF15-related conditions. ClinVar contains an entry for this variant (Variation ID: 1008032). Algorithms developed to predict the effect of missense changes on protein structure and function are either unavailable or do not agree on the potential impact of this missense change (SIFT: "Deleterious"; PolyPhen-2: "Benign"; Align-GVGD: "Class C65").